The following is an entry in ClinVar:

ClinVar aggregate classification (germline): Uncertain significance. Review status: criteria provided, multiple submitters, no conflicts (2 of 4 stars). 2 submissions from 2 submitters: Uncertain significance (2). Last evaluated 2021-04-06.

Conditions:
Chédiak-Higashi syndrome (CHS). Also called: Chediak-Higashi Syndrome. Identifiers: Orphanet 167, MedGen C0007965, MONDO:0008963, OMIM 214500.

Allele frequency attached by ClinVar (database versions not stated): gnomAD exomes below 0.00001; TOPMed below 0.00001; gnomAD 0.00001.
gnomAD v4.1: 4 of 1,613,368 alleles (0.00025%); highest among the groups gnomAD compares: Non-Finnish European, 0.00034%; no homozygotes.

Submissions (2):

Labcorp Genetics (formerly Invitae), Labcorp
Classification: Uncertain significance for Chédiak-Higashi syndrome. Last evaluated: 2021-04-06. Review status: criteria provided, single submitter. Criteria: Invitae Variant Classification Sherloc (09022015). Collection method: clinical testing. Allele origin: germline.
Comment: In summary, the available evidence is currently insufficient to determine the role of this variant in disease. Therefore, it has been classified as a Variant of Uncertain Significance. Algorithms developed to predict the effect of missense changes on protein structure and function (SIFT, PolyPhen-2, Align-GVGD) all suggest that this variant is likely to be tolerated, but these predictions have not been confirmed by published functional studies and their clinical significance is uncertain. This variant has not been reported in the literature in individuals with LYST-related conditions. ClinVar contains an entry for this variant (Variation ID: 875923). This variant is not present in population databases (ExAC no frequency). This sequence change replaces histidine with arginine at codon 815 of the LYST protein (p.His815Arg). The histidine residue is weakly conserved and there is a small physicochemical difference between histidine and arginine.

Illumina Laboratory Services, Illumina
Classification: Uncertain significance for Chédiak-Higashi syndrome. Last evaluated: 2018-01-12. Review status: criteria provided, single submitter. Criteria: ICSL Variant Classification Criteria 13 December 2019. Collection method: clinical testing. Allele origin: germline.

NM_000081.4(LYST):c.2444A>G (p.His815Arg)

Gene: LYST (lysosomal trafficking regulator; minus strand). Cytogenetic location: 1q42.3.
Variant type: single nucleotide variant.
Coding change: c.2444A>G on transcript NM_000081.4 (MANE Select); coding-DNA position 2444, A replaced by G.
Protein change: p.His815Arg; replaces histidine 815 with arginine.
Molecular consequence: missense variant.
Genome position (GRCh38, 1-based): chr1:235,806,692, T>C on the plus strand (A>G on the coding strand, the complement: LYST is on the minus strand). VCF-style: chr1-235806692-T-C. GRCh37 (hg19) VCF-style: chr1-235969992-T-C.
Other names: c.2444A>G, p.His815Arg (NM_001301365.1); short protein forms H815R.
Identifiers: ClinVar variation 875923 (VCV000875923.11), dbSNP rs1489278387, ClinGen allele CA344957206.